The following is an entry in ClinVar:

NM_001110556.2(FLNA):c.7507G>A (p.Gly2503Ser)

Gene: FLNA (filamin A; minus strand). Cytogenetic location: Xq28.
Variant type: single nucleotide variant.
Coding change: c.7507G>A on transcript NM_001110556.2 (MANE Select); coding-DNA position 7507, G replaced by A.
Protein change: p.Gly2503Ser; replaces glycine 2503 with serine.
Molecular consequence: missense variant.
Genome position (GRCh38, 1-based): chrX:154,349,694, C>T on the plus strand (G>A on the coding strand, the complement: FLNA is on the minus strand). VCF-style: chrX-154349694-C-T. GRCh37 (hg19) VCF-style: chrX-153578062-C-T.
Other names: c.7483G>A (NM_001456.3); c.7483G>A, p.Gly2495Ser (NM_001456.4); short protein forms G2503S, G2495S.
Identifiers: ClinVar variation 2168158 (VCV002168158.5), dbSNP rs2067604006, ClinGen allele CA415181687.
Genomic context (GRCh38, chrX:154,349,694, plus strand): 5'-TGGCCCCAGGCTCACCTGTGACTTTGGCCTTGAAGGGGCTGCCCCCAATGTGGTAGGGGC[C>T]GCCGTACTTGATGGAGATGAGGTAGCTGCCAGGTGCCATGGGGGTATAGGTGACGCGGTA-3'
Protein context (NP_001104026.1, residues 2493-2513): GSYLISIKYG[Gly2503Ser]PYHIGGSPFK

ClinVar aggregate classification (germline): Uncertain significance. Review status: criteria provided, multiple submitters, no conflicts (2 of 4 stars). 2 submissions from 2 submitters: Uncertain significance (2). Last evaluated 2024-07-25.

Conditions:
Familial thoracic aortic aneurysm and aortic dissection (TAAD). Also called: Thoracic aortic aneurysms and dissections. Identifiers: Orphanet 91387, MedGen C4707243, MONDO:0019625.
Oto-palato-digital syndrome, type II (OPD2). Also called: Otopalatodigital Syndrome Type 2 (FLNA-OPD2); Otopalatodigital Syndrome, Type II; FACIOPALATOOSSEOUS SYNDROME; OPD II SYNDROME. Identifiers: Orphanet 669, Orphanet 90652, MedGen C1844696, MONDO:0010571, OMIM 304120.
Frontometaphyseal dysplasia (FMD1). Identifiers: Orphanet 1826, MedGen C0265293, MONDO:0015942.
Melnick-Needles syndrome (MNS). Also called: Melnick-Needles Syndrome (FLNA-MNS); MELNICK-NEEDLES OSTEODYSPLASTY; OSTEODYSPLASTY OF MELNICK AND NEEDLES. Identifiers: Orphanet 2484, MedGen C0025237, MONDO:0010650, OMIM 309350.
Heterotopia, periventricular, X-linked dominant (PVNH1). Also called: PERIVENTRICULAR NODULAR HETEROTOPIA 4; HETEROTOPIA, PERIVENTRICULAR, 1; X-linked periventricular heterotopia; PERIVENTRICULAR NODULAR HETEROTOPIA 1. Identifiers: Orphanet 2149, Orphanet 82004, MedGen C1848213, MONDO:0010233, OMIM 300049.

Allele frequency attached by ClinVar (database versions not stated): TOPMed below 0.00001.

Submissions (2):

Labcorp Genetics (formerly Invitae), Labcorp
Classification: Uncertain significance for Oto-palato-digital syndrome, type II; Heterotopia, periventricular, X-linked dominant; Frontometaphyseal dysplasia; Melnick-Needles syndrome. Last evaluated: 2024-07-25. Review status: criteria provided, single submitter. Criteria: Invitae Variant Classification Sherloc (09022015). Collection method: clinical testing. Allele origin: germline.
Comment: This sequence change replaces glycine, which is neutral and non-polar, with serine, which is neutral and polar, at codon 2495 of the FLNA protein (p.Gly2495Ser). This variant is not present in population databases (gnomAD no frequency). This variant has not been reported in the literature in individuals affected with FLNA-related conditions. ClinVar contains an entry for this variant (Variation ID: 2168158). Advanced modeling of protein sequence and biophysical properties (such as structural, functional, and spatial information, amino acid conservation, physicochemical variation, residue mobility, and thermodynamic stability) performed at Invitae indicates that this missense variant is not expected to disrupt FLNA protein function with a negative predictive value of 95%. In summary, the available evidence is currently insufficient to determine the role of this variant in disease. Therefore, it has been classified as a Variant of Uncertain Significance.

Ambry Genetics
Classification: Uncertain significance for Familial thoracic aortic aneurysm and aortic dissection. Last evaluated: 2024-07-22. Review status: criteria provided, single submitter. Criteria: Ambry Variant Classification Scheme 2023. Collection method: clinical testing. Allele origin: germline.
Comment: The p.G2495S variant (also known as c.7483G>A), located in coding exon 44 of the FLNA gene, results from a G to A substitution at nucleotide position 7483. The glycine at codon 2495 is replaced by serine, an amino acid with similar properties. This amino acid position is highly conserved in available vertebrate species. In addition, this alteration is predicted to be deleterious by in silico analysis. Based on the available evidence, the clinical significance of this variant remains unclear.